The following is an entry in ClinVar:

NM_001205293.3(CACNA1E):c.5679+10A>C

Gene: CACNA1E (calcium voltage-gated channel subunit alpha1 E; plus strand). Cytogenetic location: 1q25.3.
Variant type: single nucleotide variant.
Coding change: c.5679+10A>C on transcript NM_001205293.3 (MANE Select); 10 bases into the intron after coding-DNA position 5679, A replaced by C.
Molecular consequence: intron variant.
Genome position (GRCh38, 1-based): chr1:181,785,428, A>C. VCF-style: chr1-181785428-A-C. GRCh37 (hg19) VCF-style: chr1-181754564-A-C.
Other names: c.5679+10A>C (NM_000721.4, NM_000721.3); c.5622+10A>C (NM_001205294.2).
Identifiers: ClinVar variation 1234562 (VCV001234562.14), dbSNP rs77123326, ClinGen allele CA1276160.
Genomic context (GRCh38, chr1:181,785,428, plus strand): 5'-TACTATAAGCAGAGTAAGGTGAAGAAGCAGAGGCAGCAGCTGGAGGAACAGGTGAAAGTC[A>C]ATGCCAGCATGCTAAGTGGGTGGGCCATGAGGAGTTGCAGGAGGGAATAGGCCTGTGCCT-3'

ClinVar aggregate classification (germline): Benign/Likely benign. Review status: criteria provided, multiple submitters, no conflicts (2 of 4 stars). 6 submissions from 6 submitters: Benign (5); Likely benign (1). Last evaluated 2026-02-01.

Conditions:
CACNA1E-related disorder. Also called: CACNA1E-related condition.
Developmental and epileptic encephalopathy, 69. Also called: EPILEPTIC ENCEPHALOPATHY, EARLY INFANTILE, 69. Identifiers: MedGen C4748988, MONDO:0032657, OMIM 618285.

Allele frequency attached by ClinVar (database versions not stated): 1000 Genomes Project 0.00300; 1000 Genomes Project 30x 0.00312; gnomAD exomes 0.00044; ExAC 0.00062; ESP Exome Variant Server 0.00141; gnomAD 0.00202 and 0.00218; TOPMed 0.00212.
gnomAD v4.1: 548 of 1,573,284 alleles (0.035%); highest among the groups gnomAD compares: African/African-American, 0.66%; 3 homozygotes.

Submissions (6):

Labcorp Genetics (formerly Invitae), Labcorp
Classification: Benign. Last evaluated: 2026-02-01. Review status: criteria provided, single submitter. Criteria: Invitae Variant Classification Sherloc (09022015). Collection method: clinical testing. Allele origin: germline.

ARUP Laboratories, Molecular Genetics and Genomics, ARUP Laboratories
Classification: Benign for Developmental and epileptic encephalopathy, 69. Last evaluated: 2025-03-17. Review status: criteria provided, single submitter. Criteria: ARUP Molecular Germline Variant Investigation Process 2024. Collection method: clinical testing. Allele origin: germline.

PreventionGenetics, part of Exact Sciences
Classification: Benign for CACNA1E-related condition. Last evaluated: 2024-12-04. Review status: criteria provided, single submitter. Criteria: ACMG Guidelines, 2015. Collection method: clinical testing. Allele origin: germline.
Comment: This variant is classified as benign based on ACMG/AMP sequence variant interpretation guidelines (Richards et al. 2015 PMID: 25741868, with internal and published modifications).

Blueprint Genetics
Classification: Likely benign. Last evaluated: 2024-05-29. Review status: criteria provided, single submitter. Criteria: ACMG Guidelines, 2015. Collection method: clinical testing. Allele origin: germline.

Genome-Nilou Lab
Classification: Benign for Developmental and epileptic encephalopathy, 69. Last evaluated: 2023-04-11. Review status: criteria provided, single submitter. Criteria: ACMG Guidelines, 2015. Collection method: clinical testing. Allele origin: germline. Affected: no.

GeneDx
Classification: Benign. Last evaluated: 2021-06-10. Review status: criteria provided, single submitter. Criteria: GeneDx Variant Classification Process June 2021. Collection method: clinical testing. Allele origin: germline. Affected: yes.